The following is an entry in ClinVar:

NM_000038.6(APC):c.4196G>A (p.Arg1399His)

Gene: APC (APC regulator of Wnt signaling pathway; plus strand). Cytogenetic location: 5q22.2.
Variant type: single nucleotide variant.
Coding change: c.4196G>A on transcript NM_000038.6 (MANE Select); coding-DNA position 4196, G replaced by A.
Protein change: p.Arg1399His; replaces arginine 1399 with histidine.
Molecular consequence: missense variant.
Genome position (GRCh38, 1-based): chr5:112,839,790, G>A. VCF-style: chr5-112839790-G-A. GRCh37 (hg19) VCF-style: chr5-112175487-G-A.
Other names: c.4196G>A, p.Arg1399His (NM_001127510.3, NM_001354895.2); c.4142G>A, p.Arg1381His (NM_001127511.3); c.4250G>A, p.Arg1417His (NM_001354896.2); c.4226G>A, p.Arg1409His (NM_001354897.2); c.4121G>A, p.Arg1374His (NM_001354898.2); c.4112G>A, p.Arg1371His (NM_001354899.2); c.4073G>A, p.Arg1358His (NM_001354900.2); c.4019G>A, p.Arg1340His (NM_001354901.2); and 5 more; short protein forms R1239H, R1273H, R1381H, R1340H, R1409H, R1116H, R1298H, R1308H.
Identifiers: ClinVar variation 1409385 (VCV001409385.13), dbSNP rs1431515214, ClinGen allele CA16030529.
Genomic context (GRCh38, chr5:112,839,790, plus strand): 5'-AGACCCCACTCATGTTTAGCAGATGTACTTCTGTCAGTTCACTTGATAGTTTTGAGAGTC[G>A]TTCGATTGCCAGCTCCGTTCAGAGTGAACCATGCAGTGGAATGGTAAGTGGCATTATAAG-3'
Protein context (NP_000029.2, residues 1389-1409): SVSSLDSFES[Arg1399His]SIASSVQSEP

ClinVar aggregate classification (germline): Uncertain significance. Review status: criteria provided, multiple submitters, no conflicts (2 of 4 stars). 4 submissions from 4 submitters: Uncertain significance (4). Last evaluated 2025-08-13.

Conditions:
Classic or attenuated familial adenomatous polyposis. Identifiers: MedGen CN372698, MONDO:0021057.
Hereditary cancer-predisposing syndrome. Also called: Hereditary Cancer Syndrome; Tumor predisposition; Hereditary neoplastic syndrome; Neoplastic Syndromes, Hereditary. Identifiers: Orphanet 140162, MedGen C0027672, MeSH D009386, MONDO:0015356.
Familial adenomatous polyposis 1 (FAP1). Also called: FAMILIAL ADENOMATOUS POLYPOSIS 1, ATTENUATED; POLYPOSIS, ADENOMATOUS INTESTINAL. Identifiers: MedGen C2713442, MONDO:0021056, OMIM 175100. Disease mechanism: loss of function.

Allele frequency attached by ClinVar (database versions not stated): gnomAD exomes below 0.00001.
gnomAD v4.1: 2 of 1,614,078 alleles (0.00012%); no homozygotes.

Submissions (4):

Ambry Genetics
Classification: Uncertain significance for Hereditary cancer-predisposing syndrome. Last evaluated: 2025-08-13. Review status: criteria provided, single submitter. Criteria: Ambry Variant Classification Scheme 2023. Collection method: clinical testing. Allele origin: germline.
Comment: The p.R1399H variant (also known as c.4196G>A), located in coding exon 15 of the APC gene, results from a G to A substitution at nucleotide position 4196. The arginine at codon 1399 is replaced by histidine, an amino acid with highly similar properties. This amino acid position is not well conserved in available vertebrate species. In addition, in silico predictors for this gene do not accurately predict pathogenicity. Missense alterations in APC are not a common cause of disease (Spier I et al. Genet Med. 2024 Feb;26(2):100992). Since supporting evidence is limited at this time, the clinical significance of this alteration remains unclear.

Labcorp Genetics (formerly Invitae), Labcorp
Classification: Uncertain significance for Familial adenomatous polyposis 1. Last evaluated: 2025-07-06. Review status: criteria provided, single submitter. Criteria: Invitae Variant Classification Sherloc (09022015). Collection method: clinical testing. Allele origin: germline.
Comment: This sequence change replaces arginine, which is basic and polar, with histidine, which is basic and polar, at codon 1399 of the APC protein (p.Arg1399His). This variant is present in population databases (no rsID available, gnomAD 0.01%). This variant has not been reported in the literature in individuals affected with APC-related conditions. ClinVar contains an entry for this variant (Variation ID: 1409385). Invitae Evidence Modeling of protein sequence and biophysical properties (such as structural, functional, and spatial information, amino acid conservation, physicochemical variation, residue mobility, and thermodynamic stability) indicates that this missense variant is not expected to disrupt APC protein function with a negative predictive value of 95%. In summary, the available evidence is currently insufficient to determine the role of this variant in disease. Therefore, it has been classified as a Variant of Uncertain Significance.

All of Us Research Program, National Institutes of Health
Classification: Uncertain significance for Classic or attenuated familial adenomatous polyposis. Last evaluated: 2023-11-30. Review status: criteria provided, single submitter. Criteria: ACMG Guidelines, 2015. Collection method: clinical testing. Allele origin: germline. Inheritance: Autosomal dominant inheritance. Observed: 1 variant allele, 1 heterozygote.
Comment: This missense variant replaces arginine with histidine at codon 1399 of the APC protein. Computational prediction suggests that this variant may not impact protein structure and function (internally defined REVEL score threshold <= 0.5, PMID: 27666373). To our knowledge, functional studies have not been reported for this variant. This variant has not been reported in individuals affected with hereditary cancer in the literature. This variant has been identified in 1/250986 chromosomes in the general population by the Genome Aggregation Database (gnomAD). The available evidence is insufficient to determine the role of this variant in disease conclusively. Therefore, this variant is classified as a Variant of Uncertain Significance.

This study involves interpretation of variants in research participants for the purpose of population health screening. Participant phenotype was not available at the time of variant classification. Additional details can be found in publication PMID: 35346344, PMCID: PMC8962531

Baylor Genetics
Classification: Uncertain significance for Familial adenomatous polyposis 1. Last evaluated: 2023-11-08. Review status: criteria provided, single submitter. Criteria: ACMG Guidelines, 2015. Collection method: clinical testing. Allele origin: unknown.